The following is an entry in ClinVar:

NM_172107.4(KCNQ2):c.315del (p.Cys106fs)

Gene: KCNQ2 (potassium voltage-gated channel subfamily Q member 2; minus strand). Cytogenetic location: 20q13.33.
Variant type: Deletion.
Coding change: c.315del on transcript NM_172107.4 (MANE Select); coding-DNA position 315, one base deleted (C; older notation c.315delC).
Protein change: p.Cys106fs; shifts the reading frame from cysteine 106.
Molecular consequence: frameshift variant.
Genome position (GRCh38, 1-based): chr20:63,446,819, G deleted on the plus strand (C on the coding strand, the reverse complement: KCNQ2 is on the minus strand); the first of 2 consecutive G bases (chr20:63,446,819-63,446,820); deleting either gives the same sequence. VCF-style (leftmost placement, unchanged base first): chr20-63446818-AG-A. GRCh37 (hg19) VCF-style: chr20-62078171-AG-A.
Other names: c.315del, p.Cys106fs (NM_001382235.1, NM_004518.6, NM_172106.3 and 2 more transcripts); short protein forms C106fs.
Identifiers: ClinVar variation 2024114 (VCV002024114.4), dbSNP rs2516534539, ClinGen allele CA2580098426.

ClinVar aggregate classification (germline): Pathogenic (1 of 4 stars; one submission).

Conditions:
Early-infantile DEE. Also called: Ohtahara syndrome; Early infantile epileptic encephalopathy with suppression bursts; Early infantile epileptic encephalopathy. Identifiers: Orphanet 1934, MedGen C0393706, MONDO:0800491.

Submission:

Labcorp Genetics (formerly Invitae), Labcorp
Classification: Pathogenic for Early-infantile DEE. Last evaluated: 2021-12-02. Review status: criteria provided, single submitter. Criteria: Invitae Variant Classification Sherloc (09022015). Collection method: clinical testing. Allele origin: germline.
Comment: This sequence change creates a premature translational stop signal (p.Cys106Alafs*27) in the KCNQ2 gene. It is expected to result in an absent or disrupted protein product. Loss-of-function variants in KCNQ2 are known to be pathogenic (PMID: 14534157, 23692823, 27779742). This variant is not present in population databases (gnomAD no frequency). This variant has not been reported in the literature in individuals affected with KCNQ2-related conditions. For these reasons, this variant has been classified as Pathogenic.

Literature cited by the submitters: PubMed 14534157; PubMed 23692823; PubMed 27779742.